The following is an entry in ClinVar:

NM_000018.4(ACADVL):c.445G>A (p.Glu149Lys)

Gene: ACADVL (acyl-CoA dehydrogenase very long chain; plus strand). Cytogenetic location: 17p13.1.
Variant type: single nucleotide variant.
Coding change: c.445G>A on transcript NM_000018.4 (MANE Select); coding-DNA position 445, G replaced by A.
Protein change: p.Glu149Lys; replaces glutamic acid 149 with lysine.
Molecular consequence: missense variant.
Genome position (GRCh38, 1-based): chr17:7,221,026, G>A. VCF-style: chr17-7221026-G-A. GRCh37 (hg19) VCF-style: chr17-7124345-G-A.
Other names: c.379G>A, p.Glu127Lys (NM_001033859.3); c.514G>A, p.Glu172Lys (NM_001270447.2); c.217G>A, p.Glu73Lys (NM_001270448.2); short protein forms E127K, E149K, E172K, E73K.
Identifiers: ClinVar variation 3045590 (VCV003045590.4), dbSNP rs2508265186, ClinGen allele CA397722915.

ClinVar aggregate classification (germline): Uncertain significance. Review status: criteria provided, multiple submitters, no conflicts (2 of 4 stars). 3 submissions from 3 submitters: Uncertain significance (2). 1 of the submissions does not count toward it. Last evaluated 2025-12-08.

Conditions:
Very long chain acyl-CoA dehydrogenase deficiency (ACADVLD). Also called: VLCAD Deficiency; Very Long-Chain Acyl-Coenzyme A Dehydrogenase Deficiency. Identifiers: Orphanet 26793, MedGen C3887523, MONDO:0008723, OMIM 201475.
ACADVL-related disorder. Also called: ACADVL-related condition.

Allele frequency attached by ClinVar (database versions not stated): gnomAD exomes below 0.00001.
gnomAD v4.1: 2 of 1,613,982 alleles (0.00012%); highest among the groups gnomAD compares: South Asian, 0.0011%; no homozygotes.

Submissions (3):

Labcorp Genetics (formerly Invitae), Labcorp
Classification: Uncertain significance for Very long chain acyl-CoA dehydrogenase deficiency. Last evaluated: 2025-12-08. Review status: criteria provided, single submitter. Criteria: Invitae Variant Classification Sherloc (09022015). Collection method: clinical testing. Allele origin: germline.
Comment: This sequence change replaces glutamic acid, which is acidic and polar, with lysine, which is basic and polar, at codon 149 of the ACADVL protein (p.Glu149Lys). This variant is not present in population databases (gnomAD no frequency). This variant has not been reported in the literature in individuals affected with ACADVL-related conditions. ClinVar contains an entry for this variant (Variation ID: 3045590). Invitae Evidence Modeling of protein sequence and biophysical properties (such as structural, functional, and spatial information, amino acid conservation, physicochemical variation, residue mobility, and thermodynamic stability) indicates that this missense variant is not expected to disrupt ACADVL protein function with a negative predictive value of 80%. Algorithms developed to predict the effect of sequence changes on RNA splicing suggest that this variant may disrupt the consensus splice site. In summary, the available evidence is currently insufficient to determine the role of this variant in disease. Therefore, it has been classified as a Variant of Uncertain Significance.

Blueprint Genetics
Classification: Uncertain significance. Last evaluated: 2024-08-05. Review status: criteria provided, single submitter. Criteria: ACMG Guidelines, 2015. Collection method: clinical testing. Allele origin: germline.

PreventionGenetics, part of Exact Sciences
Classification: Uncertain significance for ACADVL-related condition. Last evaluated: 2023-11-08. Review status: no assertion criteria provided. Collection method: clinical testing. Allele origin: germline. Not counted in ClinVar's aggregate classification.
Comment: The ACADVL c.445G>A variant is predicted to result in the amino acid substitution p.Glu149Lys. To our knowledge, this variant has not been reported in the literature or in a large population database, indicating this variant is rare. At this time, the clinical significance of this variant is uncertain due to the absence of conclusive functional and genetic evidence.